The following is an entry in ClinVar:

ClinVar aggregate classification (germline): Uncertain significance (1 of 4 stars; one submission).

Conditions:
Tuberous sclerosis 1 (TSC1). Identifiers: Orphanet 805, MedGen C1854465, MONDO:0008612, OMIM 191100.

Submission:

Labcorp Genetics (formerly Invitae), Labcorp
Classification: Uncertain significance for Tuberous sclerosis 1. Last evaluated: 2018-11-07. Review status: criteria provided, single submitter. Criteria: Invitae Variant Classification Sherloc (09022015). Collection method: clinical testing. Allele origin: germline.
Comment: This variant is not present in population databases (ExAC no frequency). This sequence change replaces serine with cysteine at codon 1030 of the TSC1 protein (p.Ser1030Cys). The serine residue is weakly conserved and there is a moderate physicochemical difference between serine and cysteine. This variant has not been reported in the literature in individuals with TSC1-related disease. Algorithms developed to predict the effect of missense changes on protein structure and function output the following: SIFT: "Tolerated"; PolyPhen-2: "Benign"; Align-GVGD: "Class C0". The cysteine amino acid residue is found in multiple mammalian species, suggesting that this missense change does not adversely affect protein function. These predictions have not been confirmed by published functional studies and their clinical significance is uncertain. In summary, the available evidence is currently insufficient to determine the role of this variant in disease. Therefore, it has been classified as a Variant of Uncertain Significance.

NM_000368.5(TSC1):c.3088A>T (p.Ser1030Cys)

Gene: TSC1 (TSC complex subunit 1; minus strand). Cytogenetic location: 9q34.13.
Variant type: single nucleotide variant.
Coding change: c.3088A>T on transcript NM_000368.5 (MANE Select); coding-DNA position 3088, A replaced by T.
Protein change: p.Ser1030Cys; replaces serine 1030 with cysteine.
Molecular consequence: missense variant.
Genome position (GRCh38, 1-based): chr9:132,896,642, T>A on the plus strand (A>T on the coding strand, the complement: TSC1 is on the minus strand). VCF-style: chr9-132896642-T-A. GRCh37 (hg19) VCF-style: chr9-135772029-T-A.
Other names: c.3085A>T, p.Ser1029Cys (NM_001162426.2); c.2935A>T, p.Ser979Cys (NM_001162427.2); c.2725A>T, p.Ser909Cys (NM_001362177.2); short protein forms S1029C, S1030C, S909C, S979C.
Identifiers: ClinVar variation 649887 (VCV000649887.8), dbSNP rs1588287783, ClinGen allele CA375367512.